The following is an entry in ClinVar:

ClinVar aggregate classification (germline): Pathogenic (1 of 4 stars; one submission).

Conditions:
Familial intrahepatic cholestasis. Identifiers: Orphanet 284385, MedGen CN296401, MONDO:0017290.

gnomAD v4.1: 1 of 1,604,620 alleles (0.000062%); highest among the groups gnomAD compares: South Asian, 0.0011%; no homozygotes.

Submission:

Genomenon, Inc
Classification: Pathogenic for Familial intrahepatic cholestasis. Last evaluated: 2026-04-14. Review status: criteria provided, single submitter. Criteria: Genomenon Sequence Variant Interpretation Standards - Updated. Collection method: curation. Allele origin: germline. Affected: yes.
Comment: ABCB4 c.344+2T>C is a canonical splice variant affecting the donor splice site of intron 5. It is predicted to affect mRNA splicing, leading to a deleterious effect on the ABCB4 protein. This variant has been observed in at least one proband with an ABCB4-related disorder (PMID:12713886). It is absent or not present at a significant frequency in gnomAD. In conclusion, we classify ABCB4 c.344+2T>C as a pathogenic variant.

Literature cited by the submitters: PubMed 12713886.

NM_000443.4(ABCB4):c.344+2T>C

Gene: ABCB4 (ATP binding cassette subfamily B member 4; minus strand). Cytogenetic location: 7q21.12.
Variant type: single nucleotide variant.
Coding change: c.344+2T>C on transcript NM_000443.4 (MANE Select); the canonical splice donor site of the intron after coding-DNA position 344, T replaced by C.
Molecular consequence: splice donor variant.
Genome position (GRCh38, 1-based): chr7:87,454,533, A>G on the plus strand (T>C on the coding strand, the complement: ABCB4 is on the minus strand). VCF-style: chr7-87454533-A-G. GRCh37 (hg19) VCF-style: chr7-87083849-A-G.
Other names: c.344+2T>C (NM_018850.3, NM_018849.3).
Identifiers: ClinVar variation 4846367 (VCV004846367.1).
Genomic context (GRCh38, chr7:87,454,533, plus strand): 5'-TCTGTAATTGGAAATTATCTTCAAATGAAACTTTAAAAAAGTAGACCATATATATGAGTT[A>G]CCTAGTCATTTCTTCTTCCAGAATTTTGCCTGGATTTAGCAGCGACAAGGAAAAGTTCAC-3'